The following is an entry in ClinVar:

NM_000918.4(P4HB):c.624+3G>T

Gene: P4HB (prolyl 4-hydroxylase subunit beta; minus strand). Cytogenetic location: 17q25.3.
Variant type: single nucleotide variant.
Coding change: c.624+3G>T on transcript NM_000918.4 (MANE Select); 3 bases into the intron after coding-DNA position 624, G replaced by T.
Molecular consequence: intron variant.
Genome position (GRCh38, 1-based): chr17:81,855,139, C>A on the plus strand (G>T on the coding strand, the complement: P4HB is on the minus strand). VCF-style: chr17-81855139-C-A. GRCh37 (hg19) VCF-style: chr17-79813015-C-A.
Identifiers: ClinVar variation 3766801 (VCV003766801.2).

ClinVar aggregate classification (germline): Uncertain significance (1 of 4 stars; one submission).

Conditions:
Cole-Carpenter syndrome 1 (CLCRP1). Also called: BONE FRAGILITY WITH CRANIOSYNOSTOSIS, OCULAR PROPTOSIS, HYDROCEPHALUS, AND DISTINCTIVE FACIAL FEATURES. Identifiers: Orphanet 2050, MedGen C4317154, MONDO:0007204, OMIM 112240.

gnomAD v4.1: 19 of 1,613,924 alleles (0.0012%); highest among the groups gnomAD compares: Non-Finnish European, 0.0015%; no homozygotes.

Submissions (2):

ARUP Laboratories, Molecular Genetics and Genomics, ARUP Laboratories
Classification: Uncertain significance for Cole-Carpenter syndrome 1. Last evaluated: 2024-08-27. Review status: criteria provided, single submitter. Criteria: ARUP Molecular Germline Variant Investigation Process 2024. Collection method: clinical testing. Allele origin: germline.
Comment: The P4HB c.624+3G>T variant (rs376935940), to our knowledge, is not reported in the medical literature or gene specific databases. This variant is found in the non-Finnish European population with an allele frequency of 0.004% (5/113,734 alleles) in the Genome Aggregation Database (v2.1.1). This is an intronic variant in a moderately conserved nucleotide, and computational analyses (Alamut v.2.11) are conflicting in their predictions of splicing impact. Due to limited information, the clinical significance of this variant is uncertain at this time.

Dr. Peter K. Rogan Lab, Western University
No classification provided (evidence only). Condition: Gastric cancer. Review status: no classification provided. Collection method: in vitro. Allele origin: not applicable. Functional consequence: retained intron. Not counted in ClinVar's aggregate classification.